The following is an entry in ClinVar:

ClinVar aggregate classification (germline): Conflicting classifications of pathogenicity. Review status: criteria provided, conflicting classifications (1 of 4 stars). 7 submissions from 7 submitters: Pathogenic (2); Likely pathogenic (3); Uncertain significance (2). Last evaluated 2025-08-23.

Conditions:
Nemaline myopathy 8 (NEM8). Also called: Nemaline myopathy 8, autosomal recessive. Identifiers: Orphanet 171430, MedGen C3809209, MONDO:0014138, OMIM 615348.

Allele frequency attached by ClinVar (database versions not stated): gnomAD below 0.00001 and 0.00001; TOPMed below 0.00001.

Submissions (7):

Dasa
Classification: Uncertain significance. Last evaluated: 2025-08-23. Review status: criteria provided, single submitter. Criteria: DASA Assertion Criteria. Collection method: clinical testing. Allele origin: germline.
Comment: NM_152393.4(KLHL40):c.931C>A (p.Arg311Ser) is a missense variant that results in the substitution of arginine with serine. The affected residue or protein region has prior evidence supporting clinical relevance. This variant has been reported in individuals with KLHL40-related disorders (PMID: 26578207). Also, this variant is rare in population databases. Computational prediction algorithms are consistent with a deleterious effect. The currently available literature and clinical evidence are not sufficient to establish a definitive association between this variant and the reported condition. Therefore, this variant is classified as a variant of uncertain significance.

Labcorp Genetics (formerly Invitae), Labcorp
Classification: Pathogenic for Nemaline myopathy 8. Last evaluated: 2024-05-13. Review status: criteria provided, single submitter. Criteria: Invitae Variant Classification Sherloc (09022015). Collection method: clinical testing. Allele origin: germline.
Comment: This sequence change replaces arginine, which is basic and polar, with serine, which is neutral and polar, at codon 311 of the KLHL40 protein (p.Arg311Ser). This variant is present in population databases (rs763283033, gnomAD 0.02%). This missense change has been observed in individual(s) with clinical features of nemaline myopathy (PMID: 26578207; Invitae). ClinVar contains an entry for this variant (Variation ID: 474339). Advanced modeling of protein sequence and biophysical properties (such as structural, functional, and spatial information, amino acid conservation, physicochemical variation, residue mobility, and thermodynamic stability) has been performed at Invitae for this missense variant, however the output from this modeling did not meet the statistical confidence thresholds required to predict the impact of this variant on KLHL40 protein function. This variant disrupts the p.Arg311 amino acid residue in KLHL40. Other variant(s) that disrupt this residue have been determined to be pathogenic (PMID: 23746549). This suggests that this residue is clinically significant, and that variants that disrupt this residue are likely to be disease-causing. For these reasons, this variant has been classified as Pathogenic.

GeneDx
Classification: Uncertain significance. Last evaluated: 2024-05-01. Review status: criteria provided, single submitter. Criteria: GeneDx Variant Classification Process June 2021. Collection method: clinical testing. Allele origin: germline. Affected: yes.
Comment: In silico analysis supports that this missense variant has a deleterious effect on protein structure/function; This variant is associated with the following publications: (PMID: 26578207, 23746549)

Revvity Omics, Revvity
Classification: Likely pathogenic for Nemaline myopathy 8. Last evaluated: 2024-02-02. Review status: criteria provided, single submitter. Criteria: ACMG Guidelines, 2015. Collection method: clinical testing. Allele origin: germline.

Victorian Clinical Genetics Services, Murdoch Childrens Research Institute
Classification: Pathogenic for Nemaline myopathy 8. Last evaluated: 2023-07-17. Review status: criteria provided, single submitter. Criteria: ACMG Guidelines, 2015. Collection method: clinical testing. Allele origin: germline. Inheritance: Autosomal recessive inheritance. Affected: yes.
Comment: Based on the classification scheme VCGS_Germline_v1.3.4, this variant is classified as Pathogenic. Following criteria are met: 0102 - Loss of function is a known mechanism of disease in this gene and is associated with nemaline myopathy 8 (MIM#615348). (I) 0106 - This gene is associated with autosomal recessive disease. (I) 0200 - Variant is predicted to result in a missense amino acid change from arginine to serine. (I) 0252 - This variant is homozygous. (I) 0304 - Variant is present in gnomAD <0.01 for a recessive condition (v2: 6 heterozygotes, 0 homozygotes). (SP) 0309 - Multiple alternative amino acid changes at the same position have been observed in gnomAD (Highest allele count in v2: 1 heterozygote, 0 homozygotes). (I) 0501 - Missense variant consistently predicted to be damaging by multiple in silico tools or highly conserved with a major amino acid change. (SP) 0604 - Variant is not located in an established domain, motif, hotspot or informative constraint region. (I) 0703 - Another missense variant comparable to the one identified in this case has moderate previous evidence for pathogenicity. p.(Arg311Leu) has been reported in one compound heterozygote and one homozygote with nemaline myopathy (PMID: 23746549, 30665247). (SP) 0803 - This variant has limited previous evidence of pathogenicity in unrelated individuals. One homozygote was reported from a cohort diagnosed with fetal akinesia deformation sequence, arthrogryposis, or a severe congenital myopathy (PMID: 26578207). Two homozygotes with features including myopathy, neonatal hypotonia and respiratory distress were reported in DECIPHER. In addition, this variant has been classified as VUS in ClinVar. (SP) 1007 - No published functional evidence has been identified for this variant. (I) Legend: (SP) - Supporting pathogenic, (I) - Information, (SB) - Supporting benign

Diagnostics Division, CENTRE FOR DNA FINGERPRINTING AND DIAGNOSTICS
Classification: Likely pathogenic for Nemaline myopathy 8. Last evaluated: 2017-01-01. Review status: criteria provided, single submitter. Criteria: ACMG Guidelines, 2015. Collection method: research. Allele origin: germline. Affected: yes. Observed: 1 homozygote.
Comment: Missense variant

Neuberg Centre For Genomic Medicine, NCGM
Classification: Likely pathogenic for Nemaline myopathy 8. Review status: criteria provided, single submitter. Criteria: ACMG Guidelines, 2015. Collection method: clinical testing. Allele origin: germline. Inheritance: Autosomal recessive inheritance. Affected: yes.
Comment: The missense c.931C>A (p.Arg311Ser) variant in KLHL40 gene has been reported previously in homozygous state in individuals affected nemaline myopathy (Ravenscroft et al. 2014; Todd et al. 2015). Another missense [c.932G>T | p.Arg311Leu] variant at this residue has previously been reported in trans with a pathogenic missense [c.1516A>C | p.Thr506Pro] variant (Ravenscroft et al. 2013; Todd et al. 2015). The p.Arg311Ser variant is reported with an allele frequency of 0.002% in the gnomAD exomes database and is novel (not in any individuals) in 1000 Genomes database. This variant has been reported to the ClinVar database as Uncertain Significance / Likely Pathogenic. The amino acid change p.Arg311Ser in KLHL40 is predicted as conserved by GERP++ and PhyloP across 100 vertebrates. The amino acid Arg at position 311 is changed to a Ser changing protein sequence and it might alter its composition and physico-chemical properties. For these reasons, this variant has been classified as Likely Pathogenic.

Literature cited by the submitters: PubMed 26578207 (cited by 3 submitters); PubMed 30665247 (cited by Dasa and Victorian Clinical Genetics Services, Murdoch Childrens Research Institute); PubMed 23746549 (cited by Labcorp Genetics (formerly Invitae), Labcorp and Victorian Clinical Genetics Services, Murdoch Childrens Research Institute).

NM_152393.4(KLHL40):c.931C>A (p.Arg311Ser)

Gene: KLHL40 (kelch like family member 40; plus strand). Cytogenetic location: 3p22.1.
Variant type: single nucleotide variant.
Coding change: c.931C>A on transcript NM_152393.4 (MANE Select); coding-DNA position 931, C replaced by A.
Protein change: p.Arg311Ser; replaces arginine 311 with serine.
Molecular consequence: missense variant.
Genome position (GRCh38, 1-based): chr3:42,686,549, C>A. VCF-style: chr3-42686549-C-A. GRCh37 (hg19) VCF-style: chr3-42728041-C-A.
Other names: short protein forms R311S.
Identifiers: ClinVar variation 474339 (VCV000474339.16), dbSNP rs763283033, ClinGen allele CA2336767.